The following is an entry in ClinVar:

ClinVar aggregate classification (germline): Pathogenic (1 of 4 stars; one submission).

Submission:

Labcorp Genetics (formerly Invitae), Labcorp
Classification: Pathogenic. Last evaluated: 2024-06-30. Review status: criteria provided, single submitter. Criteria: Invitae Variant Classification Sherloc (09022015). Collection method: clinical testing. Allele origin: germline.
Comment: This sequence change creates a premature translational stop signal (p.Leu74Hisfs*93) in the AGXT gene. It is expected to result in an absent or disrupted protein product. Loss-of-function variants in AGXT are known to be pathogenic (PMID: 19479957). This variant is not present in population databases (gnomAD no frequency). This variant has not been reported in the literature in individuals affected with AGXT-related conditions. For these reasons, this variant has been classified as Pathogenic.

Literature cited by the submitters: PubMed 19479957.

NM_000030.3(AGXT):c.221_222del (p.Leu74fs)

Gene: AGXT (alanine--glyoxylate aminotransferase; plus strand). Cytogenetic location: 2q37.3.
Variant type: Deletion.
Coding change: c.221_222del on transcript NM_000030.3 (MANE Select); coding-DNA positions 221 to 222, 2 bases deleted (TC; older notation c.221_222delTC).
Protein change: p.Leu74fs; shifts the reading frame from leucine 74.
Molecular consequence: frameshift variant.
Genome position (GRCh38, 1-based): chr2:240,869,225-240,869,226, TC deleted; deleting any 2 consecutive bases within chr2:240,869,224-240,869,226 gives the same sequence; the c. name uses the placement nearest the transcript's 3' end. VCF-style (leftmost placement, unchanged base first): chr2-240869223-ACT-A. GRCh37 (hg19) VCF-style: chr2-241808640-ACT-A.
Other names: short protein forms L74fs.
Identifiers: ClinVar variation 3658321 (VCV003658321.2).